The following is an entry in ClinVar:

ClinVar aggregate classification (germline): Uncertain significance (1 of 4 stars; one submission).

gnomAD v4.1: 5 of 1,600,048 alleles (0.00031%); highest among the groups gnomAD compares: Middle Eastern, 0.017%; no homozygotes.

Submission:

Labcorp Genetics (formerly Invitae), Labcorp
Classification: Uncertain significance. Last evaluated: 2025-07-18. Review status: criteria provided, single submitter. Criteria: Invitae Variant Classification Sherloc (09022015). Collection method: clinical testing. Allele origin: germline.
Comment: This sequence change replaces glutamic acid, which is acidic and polar, with valine, which is neutral and non-polar, at codon 970 of the SLC12A2 protein (p.Glu970Val). This variant is present in population databases (rs769326664, gnomAD 0.007%). This variant has not been reported in the literature in individuals affected with SLC12A2-related conditions. Invitae Evidence Modeling of protein sequence and biophysical properties (such as structural, functional, and spatial information, amino acid conservation, physicochemical variation, residue mobility, and thermodynamic stability) indicates that this missense variant is not expected to disrupt SLC12A2 protein function with a negative predictive value of 95%. In summary, the available evidence is currently insufficient to determine the role of this variant in disease. Therefore, it has been classified as a Variant of Uncertain Significance.

NM_001046.3(SLC12A2):c.2909A>T (p.Glu970Val)

Gene: SLC12A2 (solute carrier family 12 member 2; plus strand). Cytogenetic location: 5q23.3.
Variant type: single nucleotide variant.
Coding change: c.2909A>T on transcript NM_001046.3 (MANE Select); coding-DNA position 2909, A replaced by T.
Protein change: p.Glu970Val; replaces glutamic acid 970 with valine.
Molecular consequence: missense variant. On other transcripts: non-coding transcript variant (1).
Genome position (GRCh38, 1-based): chr5:128,174,646, A>T. VCF-style: chr5-128174646-A-T. GRCh37 (hg19) VCF-style: chr5-127510338-A-T.
Other names: c.2909A>T, p.Glu970Val (NM_001256461.2); short protein forms E970V.
Identifiers: ClinVar variation 4767073 (VCV004767073.1).